The following is an entry in ClinVar:

ClinVar aggregate classification (germline): Uncertain significance (1 of 4 stars; one submission).

Conditions:
Hereditary cancer-predisposing syndrome. Also called: Neoplastic Syndromes, Hereditary; Tumor predisposition; Hereditary Cancer Syndrome; Hereditary neoplastic syndrome. Identifiers: Orphanet 140162, MedGen C0027672, MeSH D009386, MONDO:0015356.

Submission:

Ambry Genetics
Classification: Uncertain significance for Hereditary cancer-predisposing syndrome. Last evaluated: 2026-05-14. Review status: criteria provided, single submitter. Criteria: Ambry Variant Classification Scheme 2023. Collection method: clinical testing. Allele origin: germline.
Comment: The p.D578N variant (also known as c.1732G>A), located in coding exon 11 of the RAD50 gene, results from a G to A substitution at nucleotide position 1732. The aspartic acid at codon 578 is replaced by asparagine, an amino acid with highly similar properties. This amino acid position is conserved. In addition, this alteration is predicted to be tolerated by in silico analysis. Based on the available evidence, the clinical significance of this variant remains unclear.

NM_005732.4(RAD50):c.1732G>A (p.Asp578Asn)

Gene: RAD50 (RAD50 double strand break repair protein; plus strand). Cytogenetic location: 5q31.1.
Variant type: single nucleotide variant.
Coding change: c.1732G>A on transcript NM_005732.4 (MANE Select); coding-DNA position 1732, G replaced by A.
Protein change: p.Asp578Asn; replaces aspartic acid 578 with asparagine.
Molecular consequence: missense variant.
Genome position (GRCh38, 1-based): chr5:132,591,973, G>A. VCF-style: chr5-132591973-G-A. GRCh37 (hg19) VCF-style: chr5-131927665-G-A.
Other names: short protein forms D578N.
Identifiers: ClinVar variation 4862847 (VCV004862847.1).